The following is an entry in ClinVar:

ClinVar aggregate classification (germline): Uncertain significance (1 of 4 stars; one submission).

Conditions:
Joubert syndrome 18 (JBTS18). Identifiers: Orphanet 2754, MedGen C3553758, MONDO:0013896, OMIM 614815.
Orofacial-digital syndrome IV (OFD4). Also called: Orofaciodigital syndrome IV; BARAITSER-BURN SYNDROME; MOHR-MAJEWSKI SYNDROME; OFD SYNDROME WITH TIBIAL DEFECTS; OFD SYNDROME, BARAITSER-BURN TYPE; OFDS IV. Identifiers: Orphanet 2753, MedGen C0406727, MONDO:0009794, OMIM 258860.

Submission:

Labcorp Genetics (formerly Invitae), Labcorp
Classification: Uncertain significance for Joubert syndrome 18; Orofacial-digital syndrome IV. Last evaluated: 2021-02-17. Review status: criteria provided, single submitter. Criteria: Invitae Variant Classification Sherloc (09022015). Collection method: clinical testing. Allele origin: germline.
Comment: This variant has not been reported in the literature in individuals with TCTN3-related conditions. This variant is not present in population databases (ExAC no frequency). This sequence change replaces isoleucine with leucine at codon 101 of the TCTN3 protein (p.Ile101Leu). The isoleucine residue is moderately conserved and there is a small physicochemical difference between isoleucine and leucine. Algorithms developed to predict the effect of missense changes on protein structure and function output the following: SIFT: "Tolerated"; PolyPhen-2: "Benign"; Align-GVGD: "Class C0". The leucine amino acid residue is found in multiple mammalian species, suggesting that this missense change does not adversely affect protein function. These predictions have not been confirmed by published functional studies and their clinical significance is uncertain. In summary, the available evidence is currently insufficient to determine the role of this variant in disease. Therefore, it has been classified as a Variant of Uncertain Significance.

NM_015631.6(TCTN3):c.301A>T (p.Ile101Leu)

Gene: TCTN3 (tectonic family member 3; minus strand). Cytogenetic location: 10q24.1.
Variant type: single nucleotide variant.
Coding change: c.301A>T on transcript NM_015631.6 (MANE Select); coding-DNA position 301, A replaced by T.
Protein change: p.Ile101Leu; replaces isoleucine 101 with leucine.
Molecular consequence: missense variant.
Genome position (GRCh38, 1-based): chr10:95,693,432, T>A on the plus strand (A>T on the coding strand, the complement: TCTN3 is on the minus strand). VCF-style: chr10-95693432-T-A. GRCh37 (hg19) VCF-style: chr10-97453189-T-A.
Other names: c.301A>T, p.Ile101Leu (NM_001143973.2); short protein forms I101L.
Identifiers: ClinVar variation 1471689 (VCV001471689.8), dbSNP rs2139767336, ClinGen allele CA377712831.
Genomic context (GRCh38, chr10:95,693,432, plus strand): 5'-AGAAGGAGAAAACTGTCCTCGGATGGAGAAGATAGCAGTCCCTGTCGCAGCAGCAATTTA[T>A]ATCGCAGGCTCCAGGAGTCAAGTCACAGACACAGATCGGTAAGACTATGAAAGTACGACA-3'
Protein context (NP_056446.4, residues 91-111): VCDLTPGACD[Ile101Leu]NCCCDRDCYL